The following is an entry in ClinVar:

ClinVar aggregate classification (germline): Uncertain significance (1 of 4 stars; one submission).

Allele frequency attached by ClinVar (database versions not stated): gnomAD exomes below 0.00001.
gnomAD v4.1: 2 of 1,614,148 alleles (0.00012%); highest among the groups gnomAD compares: Non-Finnish European, 0.00017%; no homozygotes.

Submission:

Labcorp Genetics (formerly Invitae), Labcorp
Classification: Uncertain significance. Last evaluated: 2022-07-06. Review status: criteria provided, single submitter. Criteria: Invitae Variant Classification Sherloc (09022015). Collection method: clinical testing. Allele origin: germline.
Comment: Advanced modeling of protein sequence and biophysical properties (such as structural, functional, and spatial information, amino acid conservation, physicochemical variation, residue mobility, and thermodynamic stability) performed at Invitae indicates that this missense variant is not expected to disrupt GABRB1 protein function. In summary, the available evidence is currently insufficient to determine the role of this variant in disease. Therefore, it has been classified as a Variant of Uncertain Significance. ClinVar contains an entry for this variant (Variation ID: 1378181). This variant has not been reported in the literature in individuals affected with GABRB1-related conditions. This variant is not present in population databases (gnomAD no frequency). This sequence change replaces proline, which is neutral and non-polar, with serine, which is neutral and polar, at codon 424 of the GABRB1 protein (p.Pro424Ser).

NM_000812.4(GABRB1):c.1270C>T (p.Pro424Ser)

Gene: GABRB1 (gamma-aminobutyric acid type A receptor subunit beta1; plus strand). Cytogenetic location: 4p12.
Variant type: single nucleotide variant.
Coding change: c.1270C>T on transcript NM_000812.4 (MANE Select); coding-DNA position 1270, C replaced by T.
Protein change: p.Pro424Ser; replaces proline 424 with serine.
Molecular consequence: missense variant.
Genome position (GRCh38, 1-based): chr4:47,425,863, C>T. VCF-style: chr4-47425863-C-T. GRCh37 (hg19) VCF-style: chr4-47427880-C-T.
Other names: short protein forms P424S.
Identifiers: ClinVar variation 1378181 (VCV001378181.6), dbSNP rs2110071193, ClinGen allele CA356767529.
Genomic context (GRCh38, chr4:47,425,863, plus strand): 5'-TACCGCAAGCCCCTGAGCAGCCGCGAGGCCTACGGGCGCGCCCTGGACCGGCACGGGGTA[C>T]CCAGCAAGGGGCGCATCCGCAGGCGTGCCTCCCAGCTCAAAGTCAAGATCCCCGACTTGA-3'
Protein context (NP_000803.2, residues 414-434): YGRALDRHGV[Pro424Ser]SKGRIRRRAS